The following is an entry in ClinVar:

NM_014981.3(MYH15):c.2740C>T (p.Leu914=)

Gene: MYH15 (myosin heavy chain 15; minus strand). Cytogenetic location: 3q13.13.
Variant type: single nucleotide variant.
Coding change: c.2740C>T on transcript NM_014981.3 (MANE Select); coding-DNA position 2740, C replaced by T.
Protein change: p.Leu914=; no amino-acid change (leucine 914 retained).
Molecular consequence: synonymous variant.
Genome position (GRCh38, 1-based): chr3:108,441,176, G>A on the plus strand (C>T on the coding strand, the complement: MYH15 is on the minus strand). VCF-style: chr3-108441176-G-A. GRCh37 (hg19) VCF-style: chr3-108160023-G-A.
Identifiers: ClinVar variation 2654022 (VCV002654022.24), dbSNP rs746880663, ClinGen allele CA2528186.

ClinVar aggregate classification (germline): Likely benign (1 of 4 stars; one submission).

Allele frequency attached by ClinVar (database versions not stated): TOPMed below 0.00001; ExAC 0.00002.
gnomAD v4.1: 6 of 1,614,060 alleles (0.00037%); highest among the groups gnomAD compares: Non-Finnish European, 0.00051%; no homozygotes.

Submission:

CeGaT Center for Human Genetics Tuebingen
Classification: Likely benign. Last evaluated: 2022-12-01. Review status: criteria provided, single submitter. Criteria: CeGaT Center For Human Genetics Tuebingen Variant Classification Criteria Version 2. Collection method: clinical testing. Allele origin: germline. Affected: yes. Observed: 1 variant allele.
Comment: MYH15: BP4, BP7